The following is an entry in ClinVar:

NM_012233.3(RAB3GAP1):c.2076T>C (p.Gly692=)

Gene: RAB3GAP1 (RAB3 GTPase activating protein catalytic subunit 1; plus strand). Cytogenetic location: 2q21.3.
Variant type: single nucleotide variant.
Coding change: c.2076T>C on transcript NM_012233.3 (MANE Select); coding-DNA position 2076, T replaced by C.
Protein change: p.Gly692=; no amino-acid change (glycine 692 retained).
Molecular consequence: synonymous variant.
Genome position (GRCh38, 1-based): chr2:135,153,663, T>C. VCF-style: chr2-135153663-T-C. GRCh37 (hg19) VCF-style: chr2-135911233-T-C.
Other names: c.2076T>C, p.Gly692= (NM_001172435.2).
Identifiers: ClinVar variation 3772330 (VCV003772330.13).
Genomic context (GRCh38, chr2:135,153,663, plus strand): 5'-TGTTGATTTTCATTTGATTCTGCTGAATTTTTTTGTCTTATTTTAGGCAGCTAATCCAGG[T>C]TGCTCCCTGGAAGATTTTGTGAGGTGGTATTCACCCCGGGATTATATTGAAGAGGAGGTG-3'
Protein context (NP_036365.1, residues 682-702): DMESFKAANP[Gly692=]CSLEDFVRWY

ClinVar aggregate classification (germline): Likely benign (1 of 4 stars; one submission).

gnomAD v4.1: 1 of 1,613,868 alleles (0.000062%); highest among the groups gnomAD compares: East Asian, 0.0022%; no homozygotes.

Submission:

CeGaT Center for Human Genetics Tuebingen
Classification: Likely benign. Last evaluated: 2025-01-01. Review status: criteria provided, single submitter. Criteria: CeGaT Center For Human Genetics Tuebingen Variant Classification Criteria Version 2. Collection method: clinical testing. Allele origin: germline. Affected: yes. Observed: 1 variant allele.
Comment: RAB3GAP1: BP4, BP7